The following is an entry in ClinVar:

NM_004064.5(CDKN1B):c.68A>G (p.His23Arg)

Gene: CDKN1B (cyclin dependent kinase inhibitor 1B; plus strand). Cytogenetic location: 12p13.1.
Variant type: single nucleotide variant.
Coding change: c.68A>G on transcript NM_004064.5 (MANE Select); coding-DNA position 68, A replaced by G.
Protein change: p.His23Arg; replaces histidine 23 with arginine.
Molecular consequence: missense variant.
Genome position (GRCh38, 1-based): chr12:12,717,907, A>G. VCF-style: chr12-12717907-A-G. GRCh37 (hg19) VCF-style: chr12-12870841-A-G.
Other names: c.68A>G (NM_004064.3); short protein forms H23R.
Identifiers: ClinVar variation 1509492 (VCV001509492.9), dbSNP rs1946487581, ClinGen allele CA383968300.

ClinVar aggregate classification (germline): Uncertain significance. Review status: criteria provided, multiple submitters, no conflicts (2 of 4 stars). 2 submissions from 2 submitters: Uncertain significance (2). Last evaluated 2025-11-06.

Conditions:
Hereditary cancer-predisposing syndrome. Also called: Neoplastic Syndromes, Hereditary; Hereditary Cancer Syndrome; Tumor predisposition; Hereditary neoplastic syndrome. Identifiers: Orphanet 140162, MedGen C0027672, MeSH D009386, MONDO:0015356.
Multiple endocrine neoplasia type 4. Also called: MULTIPLE ENDOCRINE NEOPLASIA, TYPE IV. Identifiers: Orphanet 276152, MedGen C1970712, MONDO:0012552, OMIM 610755.

Submissions (2):

Labcorp Genetics (formerly Invitae), Labcorp
Classification: Uncertain significance for Multiple endocrine neoplasia type 4. Last evaluated: 2025-11-06. Review status: criteria provided, single submitter. Criteria: Invitae Variant Classification Sherloc (09022015). Collection method: clinical testing. Allele origin: germline.
Comment: This sequence change replaces histidine, which is basic and polar, with arginine, which is basic and polar, at codon 23 of the CDKN1B protein (p.His23Arg). This variant is not present in population databases (gnomAD no frequency). This variant has not been reported in the literature in individuals affected with CDKN1B-related conditions. ClinVar contains an entry for this variant (Variation ID: 1509492). An algorithm developed to predict the effect of missense changes on protein structure and function (PolyPhen-2) suggests that this variant is likely to be tolerated. In summary, the available evidence is currently insufficient to determine the role of this variant in disease. Therefore, it has been classified as a Variant of Uncertain Significance.

Ambry Genetics
Classification: Uncertain significance for Hereditary cancer-predisposing syndrome. Last evaluated: 2025-06-18. Review status: criteria provided, single submitter. Criteria: Ambry Variant Classification Scheme 2023. Collection method: clinical testing. Allele origin: germline.
Comment: The p.H23R variant (also known as c.68A>G), located in coding exon 1 of the CDKN1B gene, results from an A to G substitution at nucleotide position 68. The histidine at codon 23 is replaced by arginine, an amino acid with highly similar properties. This amino acid position is not well conserved in available vertebrate species. In addition, this alteration is predicted to be tolerated by in silico analysis. Based on the available evidence, the clinical significance of this variant remains unclear.